The following is an entry in ClinVar:

ClinVar aggregate classification (germline): Uncertain significance (1 of 4 stars; one submission).

Allele frequency attached by ClinVar (database versions not stated): gnomAD 0.00001; ExAC 0.00002; gnomAD exomes 0.00002; TOPMed 0.00005.
gnomAD v4.1: 24 of 1,612,726 alleles (0.0015%); highest among the groups gnomAD compares: Admixed American, 0.005%; no homozygotes.

Submission:

GeneDx
Classification: Uncertain significance. Last evaluated: 2019-12-09. Review status: criteria provided, single submitter. Criteria: GeneDx Variant Classification Process June 2021. Collection method: clinical testing. Allele origin: germline. Affected: yes.
Comment: Not observed at a significant frequency in large population cohorts (Lek et al., 2016); In silico analysis, which includes protein predictors and evolutionary conservation, supports that this variant does not alter protein structure/function; Has not been previously published as pathogenic or benign to our knowledge

NM_021942.6(TRAPPC11):c.3073C>T (p.Arg1025Cys)

Gene: TRAPPC11 (trafficking protein particle complex subunit 11; plus strand). Cytogenetic location: 4q35.1.
Variant type: single nucleotide variant.
Coding change: c.3073C>T on transcript NM_021942.6 (MANE Select); coding-DNA position 3073, C replaced by T.
Protein change: p.Arg1025Cys; replaces arginine 1025 with cysteine.
Molecular consequence: missense variant.
Genome position (GRCh38, 1-based): chr4:183,706,824, C>T. VCF-style: chr4-183706824-C-T. GRCh37 (hg19) VCF-style: chr4-184627977-C-T.
Other names: c.3073C>T, p.Arg1025Cys (NM_199053.3); short protein forms R1025C.
Identifiers: ClinVar variation 1310775 (VCV001310775.2), dbSNP rs771331017, ClinGen allele CA3152434.